The following is an entry in ClinVar:

NM_003839.4(TNFRSF11A):c.1099G>A (p.Gly367Arg)

Gene: TNFRSF11A (TNF receptor superfamily member 11a; plus strand). Cytogenetic location: 18q21.33.
Variant type: single nucleotide variant.
Coding change: c.1099G>A on transcript NM_003839.4 (MANE Select); coding-DNA position 1099, G replaced by A.
Protein change: p.Gly367Arg; replaces glycine 367 with arginine.
Molecular consequence: missense variant. On other transcripts: intron variant (3).
Genome position (GRCh38, 1-based): chr18:62,369,016, G>A. VCF-style: chr18-62369016-G-A. GRCh37 (hg19) VCF-style: chr18-60036249-G-A.
Other names: c.1057G>A, p.Gly353Arg (NM_001278268.2); c.783+2256G>A (NM_001270949.2); c.730+7223G>A (NM_001270950.2); c.616+8967G>A (NM_001270951.2); short protein forms G367R, G353R.
Identifiers: ClinVar variation 3000314 (VCV003000314.3), dbSNP rs1464779099, ClinGen allele CA402617090.

ClinVar aggregate classification (germline): Uncertain significance (1 of 4 stars; one submission).

Allele frequency attached by ClinVar (database versions not stated): gnomAD 0.00002; TOPMed 0.00002; gnomAD exomes below 0.00001.
gnomAD v4.1: 5 of 1,614,124 alleles (0.00031%); highest among the groups gnomAD compares: Non-Finnish European, 0.00042%; no homozygotes.

Submission:

Labcorp Genetics (formerly Invitae), Labcorp
Classification: Uncertain significance. Last evaluated: 2025-04-28. Review status: criteria provided, single submitter. Criteria: Invitae Variant Classification Sherloc (09022015). Collection method: clinical testing. Allele origin: germline.
Comment: This sequence change replaces glycine, which is neutral and non-polar, with arginine, which is basic and polar, at codon 367 of the TNFRSF11A protein (p.Gly367Arg). This variant is not present in population databases (gnomAD no frequency). This variant has not been reported in the literature in individuals affected with TNFRSF11A-related conditions. ClinVar contains an entry for this variant (Variation ID: 3000314). An algorithm developed to predict the effect of missense changes on protein structure and function (PolyPhen-2) suggests that this variant is likely to be tolerated. In summary, the available evidence is currently insufficient to determine the role of this variant in disease. Therefore, it has been classified as a Variant of Uncertain Significance.